The following is an entry in ClinVar:

ClinVar aggregate classification (germline): Pathogenic (1 of 4 stars; one submission).

Conditions:
Congenital myotonia, autosomal dominant form (THD). Also called: THOMSEN DISEASE; Myotonia congenita autosomal dominant. Identifiers: Orphanet 614, MedGen C2936781, MONDO:0008055, OMIM 160800.
Congenital myotonia, autosomal recessive form. Also called: BECKER DISEASE; Becker Generalized Myotonia; myotonia congenita, autosomal recessive. Identifiers: Orphanet 614, MedGen C0751360, MONDO:0009715, OMIM 255700.

Submission:

Labcorp Genetics (formerly Invitae), Labcorp
Classification: Pathogenic for Congenital myotonia, autosomal recessive form; Congenital myotonia, autosomal dominant form. Last evaluated: 2023-03-26. Review status: criteria provided, single submitter. Criteria: Invitae Variant Classification Sherloc (09022015). Collection method: clinical testing. Allele origin: germline.
Comment: For these reasons, this variant has been classified as Pathogenic. This variant has not been reported in the literature in individuals affected with CLCN1-related conditions. This variant is not present in population databases (gnomAD no frequency). This sequence change creates a premature translational stop signal (p.Trp118*) in the CLCN1 gene. It is expected to result in an absent or disrupted protein product. Loss-of-function variants in CLCN1 are known to be pathogenic (PMID: 17932099, 22094069, 23739125).

Literature cited by the submitters: PubMed 17932099; PubMed 22094069; PubMed 23739125.

NM_000083.3(CLCN1):c.354G>A (p.Gly118=)

Gene: CLCN1 (chloride voltage-gated channel 1; plus strand). Cytogenetic location: 7q34.
Variant type: single nucleotide variant.
Coding change: c.354G>A on transcript NM_000083.3 (MANE Select); coding-DNA position 354, G replaced by A.
Protein change: p.Gly118=; no amino-acid change (glycine 118 retained).
Molecular consequence: synonymous variant. On other transcripts: non-coding transcript variant (1).
Genome position (GRCh38, 1-based): chr7:143,320,716, G>A. VCF-style: chr7-143320716-G-A. GRCh37 (hg19) VCF-style: chr7-143017809-G-A.
Identifiers: ClinVar variation 2940490 (VCV002940490.3), dbSNP rs2487029590, ClinGen allele CA458293530.